The following is an entry in ClinVar:

NM_005618.4(DLL1):c.2081C>T (p.Ser694Leu)

Genes: DLL1 (delta like canonical Notch ligand 1; minus strand), LOC126859913 (P300/CBP strongly-dependent group 1 enhancer GRCh37_chr6:170591232-170592431; plus strand). Cytogenetic location: 6q27.
Variant type: single nucleotide variant.
Coding change: c.2081C>T on transcript NM_005618.4 (MANE Select); coding-DNA position 2081, C replaced by T.
Protein change: p.Ser694Leu; replaces serine 694 with leucine.
Molecular consequence: missense variant.
Genome position (GRCh38, 1-based): chr6:170,283,073, G>A on the plus strand (C>T on the coding strand, the complement: DLL1 is on the minus strand). VCF-style: chr6-170283073-G-A. GRCh37 (hg19) VCF-style: chr6-170592161-G-A.
Other names: short protein forms S694L.
Identifiers: ClinVar variation 1552785 (VCV001552785.32), dbSNP rs201177310, ClinGen allele CA4106618.

ClinVar aggregate classification (germline): Likely benign. Review status: criteria provided, multiple submitters, no conflicts (2 of 4 stars). 2 submissions from 2 submitters: Likely benign (2). Last evaluated 2025-12-15.

Allele frequency attached by ClinVar (database versions not stated): gnomAD exomes 0.00021 and 0.00018; ExAC 0.00023; TOPMed 0.00010; ESP Exome Variant Server 0.00015; gnomAD 0.00017.
gnomAD v4.1: 355 of 1,614,080 alleles (0.022%); highest among the groups gnomAD compares: Non-Finnish European, 0.027%; 1 homozygote.

Submissions (2):

Labcorp Genetics (formerly Invitae), Labcorp
Classification: Likely benign. Last evaluated: 2025-12-15. Review status: criteria provided, single submitter. Criteria: Invitae Variant Classification Sherloc (09022015). Collection method: clinical testing. Allele origin: germline.

CeGaT Center for Human Genetics Tuebingen
Classification: Likely benign. Last evaluated: 2023-11-01. Review status: criteria provided, single submitter. Criteria: CeGaT Center For Human Genetics Tuebingen Variant Classification Criteria Version 2. Collection method: clinical testing. Allele origin: germline. Affected: yes. Observed: 2 variant alleles.
Comment: DLL1: BP4, BS2